The following is an entry in ClinVar:

NM_005445.4(SMC3):c.430-1G>T

Gene: SMC3 (structural maintenance of chromosomes 3; plus strand). Cytogenetic location: 10q25.2.
Variant type: single nucleotide variant.
Coding change: c.430-1G>T on transcript NM_005445.4 (MANE Select); the canonical splice acceptor site of the intron before coding-DNA position 430, G replaced by T.
Molecular consequence: splice acceptor variant.
Genome position (GRCh38, 1-based): chr10:110,580,903, G>T. VCF-style: chr10-110580903-G-T. GRCh37 (hg19) VCF-style: chr10-112340661-G-T.
Identifiers: ClinVar variation 3767856 (VCV003767856.1).

ClinVar aggregate classification (germline): Likely pathogenic (1 of 4 stars; one submission).

Conditions:
Cornelia de Lange syndrome 3 (CDLS3). Also called: SMC3-Related Cornelia de Lange Syndrome; CORNELIA DE LANGE SYNDROME 3 WITH OR WITHOUT MIDLINE BRAIN DEFECTS. Identifiers: Orphanet 199, MedGen C1853099, MONDO:0012555, OMIM 610759.

Submission:

Clinical Genomics Laboratory, Stanford Medicine
Classification: Likely pathogenic for Cornelia de Lange syndrome 3. Last evaluated: 2023-03-22. Review status: criteria provided, single submitter. Criteria: ACMG Guidelines, 2015. Collection method: clinical testing. Allele origin: germline. Inheritance: Autosomal dominant inheritance. Affected: yes. Observed: 1 variant allele, 1 heterozygote.
Comment: The c.430-1G>T variant in the SMC3 gene has been previously reported as a de novo germline variant in an individual with acute myeloid leukemia (Mostafavi et al., 2022). No other phenotypic details were provided. This variant was absent from large population databases, including the Genome Aggregation Database This variant alters the canonical 3’ acceptor splice site in intron 7, which is predicted to result in abnormal gene splicing and loss of normal protein function through either protein truncation or nonsense-mediated decay. Heterozygous loss-of-function has rarely been described as a mechanism of disease for the SMC3 gene (Ansari et al., 2014; Deardorff et al., 2020). Data from the Genome Aggregation Database suggests this gene is intolerant to variants that result in loss-of-function. These data were assessed using the ACMG/AMP variant interpretation guidelines. In summary, there is sufficient evidence to classify the c.430-1G>T variant as likely pathogenic for SMC3-related Cornelia de Lange syndrome in an autosomal dominant manner based on the information above. [ACMG evidence codes used: PVS1_Strong; PM2]

Literature cited by the submitters: DOI 10.1016/j.gim.2022.01.561; PubMed 25125236; PubMed 20301283.